The following is an entry in ClinVar:

NM_001267550.2(TTN):c.5268del (p.Glu1756fs)

Gene: TTN (titin; minus strand). Cytogenetic location: 2q31.2.
Variant type: Deletion.
Coding change: c.5268del on transcript NM_001267550.2 (MANE Select); coding-DNA position 5268, one base deleted (A; older notation c.5268delA).
Protein change: p.Glu1756fs; shifts the reading frame from glutamic acid 1756.
Molecular consequence: frameshift variant.
Genome position (GRCh38, 1-based): chr2:178,776,596, T deleted on the plus strand (A on the coding strand, the reverse complement: TTN is on the minus strand); the first of 2 consecutive T bases (chr2:178,776,596-178,776,597); deleting either gives the same sequence. VCF-style (leftmost placement, unchanged base first): chr2-178776595-AT-A. GRCh37 (hg19) VCF-style: chr2-179641322-AT-A.
Other names: c.5268del, p.Glu1756fs (NM_001256850.1, NM_133378.4, NM_133379.5); c.5130del, p.Glu1710fs (NM_003319.4, NM_133432.3, NM_133437.4); c.5130delA (NM_003319.4); short protein forms E1710fs, E1756fs.
Identifiers: ClinVar variation 2586555 (VCV002586555.4), dbSNP rs2532881744, ClinGen allele CA2582342032.

ClinVar aggregate classification (germline): Likely pathogenic. Review status: criteria provided, multiple submitters, no conflicts (2 of 4 stars). 2 submissions from 2 submitters: Likely pathogenic (2). Last evaluated 2026-01-06.

Conditions:
Dilated cardiomyopathy 1G (CMD1G). Identifiers: Orphanet 154, MedGen C1858763, MONDO:0011400, OMIM 604145.
Autosomal recessive limb-girdle muscular dystrophy type 2J (LGMDR10). Also called: Limb-girdle muscular dystrophy, type 2J; MUSCULAR DYSTROPHY, LIMB-GIRDLE, AUTOSOMAL RECESSIVE 10. Identifiers: Orphanet 140922, MedGen C1837342, MONDO:0012127, OMIM 608807.
Cardiovascular phenotype. Identifiers: MedGen CN230736.

Submissions (2):

Labcorp Genetics (formerly Invitae), Labcorp
Classification: Likely pathogenic for Dilated cardiomyopathy 1G; Autosomal recessive limb-girdle muscular dystrophy type 2J. Last evaluated: 2026-01-06. Review status: criteria provided, single submitter. Criteria: Invitae Variant Classification Sherloc (09022015). Collection method: clinical testing. Allele origin: germline.
Comment: This sequence change creates a premature translational stop signal (p.Glu1756Aspfs*64) in the TTN gene. While this is not anticipated to result in nonsense mediated decay, it is expected to create a truncated TTN protein. This variant is not present in population databases (gnomAD no frequency). This variant has not been reported in the literature in individuals affected with TTN-related conditions. ClinVar contains an entry for this variant (Variation ID: 2586555). This variant is located in the Z band of TTN (PMID: 25589632). Truncating variants in this region have been reported in individuals affected with autosomal recessive centronuclear myopathy (PMID: 33449170, internal data). Truncating variants in this region have also been identified in individuals affected with autosomal dominant dilated cardiomyopathy and/or cardio-related conditions (PMID: 27869827, 32964742, internal data). In summary, the currently available evidence indicates that the variant is pathogenic, but additional data are needed to prove that conclusively. Therefore, this variant has been classified as Likely Pathogenic.

Ambry Genetics
Classification: Likely pathogenic for Cardiovascular phenotype. Last evaluated: 2025-03-04. Review status: criteria provided, single submitter. Criteria: Ambry Variant Classification Scheme 2023. Collection method: clinical testing. Allele origin: germline.
Comment: The c.5130delA variant, located in coding exon 26 of the TTN gene, results from a deletion of one nucleotide at nucleotide position 5130, causing a translational frameshift with a predicted alternate stop codon (p.E1710Dfs*64). This exon is located in the near Z-disk/I-band region of the N2-B isoform of the titin protein and is constitutively expressed in TTN transcripts (percent spliced in or PSI 100%). This variant is considered to be rare based on population cohorts in the Genome Aggregation Database (gnomAD). This variant is expected to result in loss of function by premature protein truncation or nonsense-mediated mRNA decay. While truncating variants in TTN are present in 1-3% of the general population, truncating variants in the A-band are the most common cause of dilated cardiomyopathy (Herman DS et al. N. Engl. J. Med., 2012 Feb;366:619-28; Roberts AM et al. Sci Transl Med, 2015 Jan;7:270ra6). TTN truncating variants encoded in constitutive exons (PSI >90%) have been found to be significantly associated with DCM regardless of their position in titin (Schafer S et al. Nat. Genet., 2017 01;49:46-53; Akhtar MM et al. Circ Heart Fail, 2020 Oct;13:e006832; Massier M et al. Clin Genet, 2025 Jan). Based on the majority of available evidence to date, this variant is likely to be pathogenic.

Literature cited by the submitters: PubMed 25589632 (cited by Labcorp Genetics (formerly Invitae), Labcorp); PubMed 33449170 (cited by Labcorp Genetics (formerly Invitae), Labcorp); PubMed 27869827 (cited by Labcorp Genetics (formerly Invitae), Labcorp); PubMed 32964742 (cited by Labcorp Genetics (formerly Invitae), Labcorp).